The following is an entry in ClinVar:

NM_001378454.1(ALMS1):c.3599T>C (p.Ile1200Thr)

Gene: ALMS1 (ALMS1 centrosome and basal body associated protein; plus strand). Cytogenetic location: 2p13.1.
Variant type: single nucleotide variant.
Coding change: c.3599T>C on transcript NM_001378454.1 (MANE Select); coding-DNA position 3599, T replaced by C.
Protein change: p.Ile1200Thr; replaces isoleucine 1200 with threonine.
Molecular consequence: missense variant.
Genome position (GRCh38, 1-based): chr2:73,450,126, T>C. VCF-style: chr2-73450126-T-C. GRCh37 (hg19) VCF-style: chr2-73677253-T-C.
Other names: c.3602T>C, p.Ile1201Thr (NM_015120.4); short protein forms I1200T, I1201T.
Identifiers: ClinVar variation 4737336 (VCV004737336.1).

ClinVar aggregate classification (germline): Uncertain significance (1 of 4 stars; one submission).

Conditions:
Alstrom syndrome (ALMS). Identifiers: Orphanet 64, MedGen C0268425, MONDO:0008763, OMIM 203800.

Submission:

Labcorp Genetics (formerly Invitae), Labcorp
Classification: Uncertain significance for Alstrom syndrome. Last evaluated: 2025-03-02. Review status: criteria provided, single submitter. Criteria: Invitae Variant Classification Sherloc (09022015). Collection method: clinical testing. Allele origin: germline.
Comment: This sequence change replaces isoleucine, which is neutral and non-polar, with threonine, which is neutral and polar, at codon 1201 of the ALMS1 protein (p.Ile1201Thr). This variant is not present in population databases (gnomAD no frequency). This variant has not been reported in the literature in individuals affected with ALMS1-related conditions. An algorithm developed to predict the effect of missense changes on protein structure and function outputs the following: PolyPhen-2: "Not Available". The threonine amino acid residue is found in multiple mammalian species, which suggests that this missense change does not adversely affect protein function. In summary, the available evidence is currently insufficient to determine the role of this variant in disease. Therefore, it has been classified as a Variant of Uncertain Significance.